The following is an entry in ClinVar:

NM_138348.6(OTULIN):c.208A>C (p.Ile70Leu)

Gene: OTULIN (OTU deubiquitinase with linear linkage specificity; plus strand). Cytogenetic location: 5p15.2.
Variant type: single nucleotide variant.
Coding change: c.208A>C on transcript NM_138348.6 (MANE Select); coding-DNA position 208, A replaced by C.
Protein change: p.Ile70Leu; replaces isoleucine 70 with leucine.
Molecular consequence: missense variant.
Genome position (GRCh38, 1-based): chr5:14,673,697, A>C. VCF-style: chr5-14673697-A-C. GRCh37 (hg19) VCF-style: chr5-14673806-A-C.
Other names: short protein forms I70L.
Identifiers: ClinVar variation 1346237 (VCV001346237.6), dbSNP rs2126816785, ClinGen allele CA359242498.
Genomic context (GRCh38, chr5:14,673,697, plus strand): 5'-TTCAGTGAGGAGGACATGTACCGTGCTGCAGATGAAATAGAAAAGGAGAAAGAATTGCTT[A>C]TACATGAAAGAGGGGCATCAGGTATGTTTGGAATTGTTTTATTTATAGAGTTCTTATTGT-3'
Protein context (NP_612357.4, residues 60-80): DEIEKEKELL[Ile70Leu]HERGASEPRL

ClinVar aggregate classification (germline): Uncertain significance (1 of 4 stars; one submission).

Submission:

Labcorp Genetics (formerly Invitae), Labcorp
Classification: Uncertain significance. Last evaluated: 2023-08-17. Review status: criteria provided, single submitter. Criteria: Invitae Variant Classification Sherloc (09022015). Collection method: clinical testing. Allele origin: germline.
Comment: ClinVar contains an entry for this variant (Variation ID: 1346237). In summary, the available evidence is currently insufficient to determine the role of this variant in disease. Therefore, it has been classified as a Variant of Uncertain Significance. An algorithm developed to predict the effect of missense changes on protein structure and function (PolyPhen-2) suggests that this variant is likely to be tolerated. This variant has not been reported in the literature in individuals affected with OTULIN-related conditions. This variant is not present in population databases (gnomAD no frequency). This sequence change replaces isoleucine, which is neutral and non-polar, with leucine, which is neutral and non-polar, at codon 70 of the OTULIN protein (p.Ile70Leu).